The following is an entry in ClinVar:

NM_152381.6(XIRP2):c.*1042T>C

Gene: XIRP2 (xin actin binding repeat containing 2; plus strand). Cytogenetic location: 2q24.3.
Variant type: single nucleotide variant.
Coding change: c.*1042T>C on transcript NM_152381.6 (MANE Select); 1042 bases downstream of the stop codon, T replaced by C.
Molecular consequence: 3 prime UTR variant. On other transcripts: synonymous variant (3).
Genome position (GRCh38, 1-based): chr2:167,258,859, T>C. VCF-style: chr2-167258859-T-C. GRCh37 (hg19) VCF-style: chr2-168115369-T-C.
Other names: c.2313T>C, p.Tyr771= (NM_001079810.4); c.2412T>C, p.Tyr804= (NM_001199143.2); c.*1042T>C (NM_001199144.2); c.1647T>C, p.Tyr549= (NM_001199145.2).
Identifiers: ClinVar variation 3058410 (VCV003058410.2), dbSNP rs1479354027, ClinGen allele CA537658398.

ClinVar aggregate classification (germline): Likely benign (0 of 4 stars; one submission).

Conditions:
XIRP2-related disorder. Also called: XIRP2-related condition.

Allele frequency attached by ClinVar (database versions not stated): TOPMed below 0.00001; gnomAD 0.00001; gnomAD exomes 0.00001.
gnomAD v4.1: 5 of 1,613,092 alleles (0.00031%); highest among the groups gnomAD compares: Admixed American, 0.0084%; no homozygotes.

Submission:

PreventionGenetics, part of Exact Sciences
Classification: Likely benign for XIRP2-related condition. Last evaluated: 2019-04-10. Review status: no assertion criteria provided. Collection method: clinical testing. Allele origin: germline.
Comment: This variant is classified as likely benign based on ACMG/AMP sequence variant interpretation guidelines (Richards et al. 2015 PMID: 25741868, with internal and published modifications).